The following is an entry in ClinVar:

ClinVar aggregate classification (germline): Uncertain significance (1 of 4 stars; one submission).

gnomAD v4.1: 2 of 1,613,126 alleles (0.00012%); highest among the groups gnomAD compares: East Asian, 0.0022%; no homozygotes.

Submission:

Labcorp Genetics (formerly Invitae), Labcorp
Classification: Uncertain significance. Last evaluated: 2024-12-16. Review status: criteria provided, single submitter. Criteria: Invitae Variant Classification Sherloc (09022015). Collection method: clinical testing. Allele origin: germline.
Comment: This sequence change replaces histidine, which is basic and polar, with proline, which is neutral and non-polar, at codon 450 of the WFS1 protein (p.His450Pro). This variant is present in population databases (no rsID available, gnomAD 0.0009%). This variant has not been reported in the literature in individuals affected with WFS1-related conditions. ClinVar contains an entry for this variant (Variation ID: 2197115). Invitae Evidence Modeling of protein sequence and biophysical properties (such as structural, functional, and spatial information, amino acid conservation, physicochemical variation, residue mobility, and thermodynamic stability) indicates that this missense variant is not expected to disrupt WFS1 protein function with a negative predictive value of 95%. In summary, the available evidence is currently insufficient to determine the role of this variant in disease. Therefore, it has been classified as a Variant of Uncertain Significance.

NM_006005.3(WFS1):c.1349A>C (p.His450Pro)

Gene: WFS1 (wolframin ER transmembrane glycoprotein; plus strand). Cytogenetic location: 4p16.1.
Variant type: single nucleotide variant.
Coding change: c.1349A>C on transcript NM_006005.3 (MANE Select); coding-DNA position 1349, A replaced by C.
Protein change: p.His450Pro; replaces histidine 450 with proline.
Molecular consequence: missense variant.
Genome position (GRCh38, 1-based): chr4:6,301,144, A>C. VCF-style: chr4-6301144-A-C. GRCh37 (hg19) VCF-style: chr4-6302871-A-C.
Other names: c.1349A>C, p.His450Pro (NM_001145853.1); short protein forms H450P.
Identifiers: ClinVar variation 2197115 (VCV002197115.4), dbSNP rs1463510538, ClinGen allele CA356174730.